The following is an entry in ClinVar:

ClinVar aggregate classification (germline): Conflicting classifications of pathogenicity. Review status: criteria provided, conflicting classifications (1 of 4 stars). 9 submissions from 9 submitters: Uncertain significance (1); Likely benign (5). 3 of the submissions do not count toward it. Last evaluated 2026-01-26.

Conditions:
SKI-related disorder. Also called: SKI-related condition.
Familial thoracic aortic aneurysm and aortic dissection (TAAD). Also called: Thoracic aortic aneurysms and dissections. Identifiers: Orphanet 91387, MedGen C4707243, MONDO:0019625.
Shprintzen-Goldberg syndrome (SGS). Also called: SHPRINTZEN-GOLDBERG CRANIOSYNOSTOSIS SYNDROME; CRANIOSYNOSTOSIS WITH ARACHNODACTYLY AND ABDOMINAL HERNIAS; Marfanoid disorder with craniosynostosis type 1; Marfanoid craniosynostosis syndrome; Shprintzen-Goldberg marfanoid syndrome. Identifiers: Orphanet 2462, MedGen C1321551, MONDO:0008426, OMIM 182212.
Intellectual disability. Also called: Intellectual functioning disability; intellectual disabilities; Intellectual developmental disorder. Identifiers: MedGen C3714756, MeSH D008607, MONDO:0001071, HP:0001249.

Allele frequency attached by ClinVar (database versions not stated): 1000 Genomes Project 30x 0.00016; 1000 Genomes Project 0.00020; ESP Exome Variant Server 0.00023; gnomAD 0.00025 and 0.00026; ExAC 0.00028; TOPMed 0.00029; gnomAD exomes 0.00030.
gnomAD v4.1: 486 of 1,612,538 alleles (0.03%); highest among the groups gnomAD compares: Admixed American, 0.063%; no homozygotes.

Submissions (9):

Labcorp Genetics (formerly Invitae), Labcorp
Classification: Likely benign for Shprintzen-Goldberg syndrome. Last evaluated: 2026-01-26. Review status: criteria provided, single submitter. Criteria: Invitae Variant Classification Sherloc (09022015). Collection method: clinical testing. Allele origin: germline.

PreventionGenetics, part of Exact Sciences
Classification: Likely benign for SKI-related condition. Last evaluated: 2025-11-18. Review status: criteria provided, single submitter. Criteria: ACMG Guidelines, 2015. Collection method: clinical testing. Allele origin: germline.
Comment: This variant is classified as likely benign based on ACMG/AMP sequence variant interpretation guidelines (Richards et al. 2015 PMID: 25741868, with internal and published modifications).

ARUP Laboratories, Molecular Genetics and Genomics, ARUP Laboratories
Classification: Uncertain significance for Shprintzen-Goldberg syndrome. Last evaluated: 2024-01-02. Review status: criteria provided, single submitter. Criteria: ARUP Molecular Germline Variant Investigation Process 2024. Collection method: clinical testing. Allele origin: germline.
Comment: The SKI c.1384C>G; p.Pro462Ala variant (rs199797772), to our knowledge, is not reported in the medical literature but is reported in ClinVar (Variation ID: 409974). This variant is found in the general population with an overall allele frequency of 0.028% (78/277278 alleles) in the Genome Aggregation Database (v2.1.1). Computational analyses are uncertain whether this variant is neutral or deleterious (REVEL: 0.203). Due to limited information, the clinical significance of this variant is uncertain at this time.

Ambry Genetics
Classification: Likely benign for Familial thoracic aortic aneurysm and aortic dissection. Last evaluated: 2022-05-26. Review status: criteria provided, single submitter. Criteria: Ambry Variant Classification Scheme 2023. Collection method: clinical testing. Allele origin: germline.

GeneDx
Classification: Likely benign. Last evaluated: 2020-03-06. Review status: criteria provided, single submitter. Criteria: GeneDx Variant Classification Process June 2021. Collection method: clinical testing. Allele origin: germline. Affected: yes.

CeGaT Center for Human Genetics Tuebingen
Classification: Likely benign. Last evaluated: 2018-01-01. Review status: criteria provided, single submitter. Criteria: CeGaT Center For Human Genetics Tuebingen Variant Classification Criteria Version 2. Collection method: clinical testing. Allele origin: germline. Affected: yes. Observed: 1 variant allele.

Centre de Biologie Pathologie Génétique, Centre Hospitalier Universitaire de Lille
Classification: Uncertain significance for Intellectual disability. Last evaluated: 2019-01-01. Review status: no assertion criteria provided. Collection method: clinical testing. Allele origin: unknown. Affected: yes. Not counted in ClinVar's aggregate classification.

Clinical Genetics DNA and cytogenetics Diagnostics Lab, Erasmus MC, Erasmus Medical Center
Classification: Likely benign. Review status: no assertion criteria provided. Collection method: clinical testing. Allele origin: germline. Affected: yes. Study: VKGL Data-share Consensus. Not counted in ClinVar's aggregate classification.

Diagnostic Laboratory, Department of Genetics, University Medical Center Groningen
Classification: Likely benign. Review status: no assertion criteria provided. Collection method: clinical testing. Allele origin: germline. Affected: yes. Study: VKGL Data-share Consensus. Not counted in ClinVar's aggregate classification.

NM_003036.4(SKI):c.1384C>G (p.Pro462Ala)

Gene: SKI (SKI proto-oncogene; plus strand). Cytogenetic location: 1p36.32.
Variant type: single nucleotide variant.
Coding change: c.1384C>G on transcript NM_003036.4 (MANE Select); coding-DNA position 1384, C replaced by G.
Protein change: p.Pro462Ala; replaces proline 462 with alanine.
Molecular consequence: missense variant.
Genome position (GRCh38, 1-based): chr1:2,304,012, C>G. VCF-style: chr1-2304012-C-G. GRCh37 (hg19) VCF-style: chr1-2235451-C-G.
Other names: short protein forms P462A.
Identifiers: ClinVar variation 409974 (VCV000409974.61), dbSNP rs199797772, ClinGen allele CA536694.